The following is an entry in ClinVar:

NM_000138.5(FBN1):c.7453+1G>A

Gene: FBN1 (fibrillin 1; minus strand). Cytogenetic location: 15q21.1.
Variant type: single nucleotide variant.
Coding change: c.7453+1G>A on transcript NM_000138.5 (MANE Select); the canonical splice donor site of the intron after coding-DNA position 7453, G replaced by A.
Molecular consequence: splice donor variant.
Genome position (GRCh38, 1-based): chr15:48,425,368, C>T on the plus strand (G>A on the coding strand, the complement: FBN1 is on the minus strand). VCF-style: chr15-48425368-C-T. GRCh37 (hg19) VCF-style: chr15-48717565-C-T.
Other names: c.7453+1G>A (NM_001406716.1, NM_000138.4).
Identifiers: ClinVar variation 982346 (VCV000982346.6), dbSNP rs397515851, ClinGen allele CA392327457.

ClinVar aggregate classification (germline): Pathogenic/Likely pathogenic. Review status: criteria provided, multiple submitters, no conflicts (2 of 4 stars). 3 submissions from 3 submitters: Pathogenic (1); Likely pathogenic (2). Last evaluated 2025-03-06.

Conditions:
Familial thoracic aortic aneurysm and aortic dissection (TAAD). Also called: Thoracic aortic aneurysms and dissections. Identifiers: Orphanet 91387, MedGen C4707243, MONDO:0019625.
Isolated thoracic aortic aneurysm.

Submissions (3):

Ambry Genetics
Classification: Likely pathogenic for Familial thoracic aortic aneurysm and aortic dissection. Last evaluated: 2025-03-06. Review status: criteria provided, single submitter. Criteria: Ambry Variant Classification Scheme 2023. Collection method: clinical testing. Allele origin: germline.
Comment: The c.7453+1G>A intronic variant results from a G to A substitution one nucleotide after coding exon 59 of the FBN1 gene. This variant was reported in individual(s) with features consistent with Marfan syndrome (Li Y et al. Eur J Hum Genet, 2021 Jul;29:1129-1138; Ambry internal data). This variant is considered to be rare based on population cohorts in the Genome Aggregation Database (gnomAD). This nucleotide position is highly conserved in available vertebrate species. In silico splice site analysis predicts that this alteration will weaken the native splice donor site. Alterations that disrupt the canonical splice site are expected to cause aberrant splicing, resulting in an abnormal protein or a transcript that is subject to nonsense-mediated mRNA decay. As such, this alteration is classified as likely pathogenic.

GeneDx
Classification: Pathogenic. Last evaluated: 2019-09-10. Review status: criteria provided, single submitter. Criteria: GeneDx Variant Classification Process June 2021. Collection method: clinical testing. Allele origin: germline. Affected: yes.
Comment: Reported in a dissertation in an individual with a MFS-related phenotype (Magyar I, 2011); Not observed in large population cohorts (Lek et al., 2016); Canonical splice site variant predicted to result in aberrant splicing, although exact splicing outcome is unknown; Deletions involving coding exons in this gene are frequently reported as pathogenic, regardless of frame prediction (Stenson et al., 2014)

Department of Vascular Biology, Beijing Anzhen Hospital
Classification: Likely pathogenic for Isolated thoracic aortic aneurysm. Last evaluated: 2018-09-01. Review status: criteria provided, single submitter. Criteria: ACMG Guidelines, 2015. Collection method: research. Allele origin: germline. Affected: yes.

Literature cited by the submitters: PubMed 33824467 (cited by Ambry Genetics).